The following is an entry in ClinVar:

ClinVar aggregate classification (germline): Likely benign (1 of 4 stars; one submission).

Conditions:
CREBBP-related disorder. Also called: CREBBP-related disorders; CREBBP-related condition.

gnomAD v4.1: 1 of 1,612,938 alleles (0.000062%); no homozygotes.

Submission:

PreventionGenetics, part of Exact Sciences
Classification: Likely benign for CREBBP-related condition. Last evaluated: 2025-08-17. Review status: criteria provided, single submitter. Criteria: ACMG Guidelines, 2015. Collection method: clinical testing. Allele origin: germline.
Comment: This variant is classified as likely benign based on ACMG/AMP sequence variant interpretation guidelines (Richards et al. 2015 PMID: 25741868, with internal and published modifications).

NM_004380.3(CREBBP):c.5358C>T (p.Arg1786=)

Gene: CREBBP (CREB binding lysine acetyltransferase; minus strand). Cytogenetic location: 16p13.3.
Variant type: single nucleotide variant.
Coding change: c.5358C>T on transcript NM_004380.3 (MANE Select); coding-DNA position 5358, C replaced by T.
Protein change: p.Arg1786=; no amino-acid change (arginine 1786 retained).
Molecular consequence: synonymous variant.
Genome position (GRCh38, 1-based): chr16:3,729,689, G>A on the plus strand (C>T on the coding strand, the complement: CREBBP is on the minus strand). VCF-style: chr16-3729689-G-A. GRCh37 (hg19) VCF-style: chr16-3779690-G-A.
Other names: c.5244C>T, p.Arg1748= (NM_001079846.1).
Identifiers: ClinVar variation 4990145 (VCV004990145.1).